The following is an entry in ClinVar:

ClinVar aggregate classification (germline): Uncertain significance (1 of 4 stars; one submission).

Conditions:
Hereditary cancer-predisposing syndrome. Also called: Neoplastic Syndromes, Hereditary; Tumor predisposition; Hereditary neoplastic syndrome; Hereditary Cancer Syndrome. Identifiers: Orphanet 140162, MedGen C0027672, MeSH D009386, MONDO:0015356.

gnomAD v4.1: 2 of 1,613,172 alleles (0.00012%); highest among the groups gnomAD compares: East Asian, 0.0022%; no homozygotes.

Submission:

Ambry Genetics
Classification: Uncertain significance for Hereditary cancer-predisposing syndrome. Last evaluated: 2024-05-31. Review status: criteria provided, single submitter. Criteria: Ambry Variant Classification Scheme 2023. Collection method: clinical testing. Allele origin: germline.
Comment: The c.3576+5A>G intronic variant results from an A to G substitution 5 nucleotides after coding exon 23 in the ATM gene. This nucleotide position is not well conserved in available vertebrate species. In silico splice site analysis predicts that this alteration will not have any significant effect on splicing. Based on the available evidence, the clinical significance of this variant remains unclear.

NM_000051.4(ATM):c.3576+5A>G

Gene: ATM (ATM serine/threonine kinase; plus strand). Cytogenetic location: 11q22.3.
Variant type: single nucleotide variant.
Coding change: c.3576+5A>G on transcript NM_000051.4 (MANE Select); 5 bases into the intron after coding-DNA position 3576, A replaced by G.
Molecular consequence: intron variant.
Genome position (GRCh38, 1-based): chr11:108,281,173, A>G. VCF-style: chr11-108281173-A-G. GRCh37 (hg19) VCF-style: chr11-108151900-A-G.
Other names: c.3576+5A>G (NM_001351834.2).
Identifiers: ClinVar variation 3324646 (VCV003324646.1).